The following is an entry in ClinVar:

ClinVar aggregate classification (germline): Uncertain significance. Review status: criteria provided, multiple submitters, no conflicts (2 of 4 stars). 5 submissions from 5 submitters: Uncertain significance (5). Last evaluated 2025-01-22.

Conditions:
Arthrogryposis multiplex congenita 3, myogenic type. Also called: ARTHROGRYPOSIS MULTIPLEX CONGENITA, MYOGENIC TYPE. Identifiers: MedGen C5193121, MONDO:0032778, OMIM 618484.
Autosomal recessive ataxia, Beauce type. Also called: Spinocerebellar ataxia, autosomal recessive 8; SYNE1-Related Autosomal Recessive Cerebellar Ataxia; SYNE1 Deficiency; ATAXIA, RECESSIVE, OF BEAUCE. Identifiers: Orphanet 88644, MedGen C1853116, MONDO:0012549, OMIM 610743.
Emery-Dreifuss muscular dystrophy 4, autosomal dominant (EDMD4). Also called: EMERY-DREIFUSS MUSCULAR DYSTROPHY 4 WITH VARIABLE FEATURES. Identifiers: Orphanet 261, MedGen C2751807, MONDO:0013071, OMIM 612998.

Allele frequency attached by ClinVar (database versions not stated): gnomAD 0.00002; TOPMed 0.00002; gnomAD exomes 0.00006 and 0.00008; ExAC 0.00012.
gnomAD v4.1: 87 of 1,613,860 alleles (0.0054%); highest among the groups gnomAD compares: Non-Finnish European, 0.0064%; 1 homozygote.

Submissions (5):

Athena Diagnostics
Classification: Uncertain significance. Last evaluated: 2025-01-22. Review status: criteria provided, single submitter. Criteria: Athena Diagnostics Criteria. Collection method: clinical testing. Allele origin: unknown.
Comment: Available data are insufficient to determine the clinical significance of the variant at this time. The frequency of this variant in the general population is higher than would generally be expected for pathogenic variants in this gene. Polyphen and MutationTaster predict this amino acid change may be benign.

Revvity Omics, Revvity
Classification: Uncertain significance. Last evaluated: 2024-02-09. Review status: criteria provided, single submitter. Criteria: ACMG Guidelines, 2015. Collection method: clinical testing. Allele origin: germline.

Blueprint Genetics
Classification: Uncertain significance. Last evaluated: 2023-12-07. Review status: criteria provided, single submitter. Criteria: ACMG Guidelines, 2015. Collection method: clinical testing. Allele origin: germline.

Labcorp Genetics (formerly Invitae), Labcorp
Classification: Uncertain significance for Emery-Dreifuss muscular dystrophy 4, autosomal dominant; Autosomal recessive ataxia, Beauce type. Last evaluated: 2021-12-19. Review status: criteria provided, single submitter. Criteria: Invitae Variant Classification Sherloc (09022015). Collection method: clinical testing. Allele origin: germline.
Comment: This sequence change replaces phenylalanine, which is neutral and non-polar, with serine, which is neutral and polar, at codon 6444 of the SYNE1 protein (p.Phe6444Ser). This variant is present in population databases (rs747674900, gnomAD 0.02%). This variant has not been reported in the literature in individuals affected with SYNE1-related conditions. ClinVar contains an entry for this variant (Variation ID: 571886). Algorithms developed to predict the effect of missense changes on protein structure and function (SIFT, PolyPhen-2, Align-GVGD) all suggest that this variant is likely to be tolerated. In summary, the available evidence is currently insufficient to determine the role of this variant in disease. Therefore, it has been classified as a Variant of Uncertain Significance.

ARUP Laboratories, Molecular Genetics and Genomics, ARUP Laboratories
Classification: Uncertain significance. Last evaluated: 2017-09-05. Review status: criteria provided, single submitter. Criteria: ARUP Molecular Germline Variant Investigation Process. Collection method: clinical testing. Allele origin: germline.
Comment: The p.Phe6444Ser variant (rs747674900) has not been reported in the medical literature, and it is not listed in gene-specific variant databases. This variant is listed in the Genome Aggregation Database (gnomAD) browser with an allele frequency of 0.016% in the non-Finnish European population (identified in 20 out of 126,680 chromosomes; 0 homozygotes). The phenylalanine at codon 6444 is weakly conserved considering 12 species (Alamut software v2.9.0), and computational analyses suggest that this variant does not affect the SYNE1 protein structure/function (SIFT: tolerated, PolyPhen2: benign, MutationTaster: polymorphism). However, based on the available information, the clinical significance of the p.Phe6444Ser variant cannot be determined with certainty.

NM_182961.4(SYNE1):c.19544T>C (p.Phe6515Ser)

Gene: SYNE1 (spectrin repeat containing nuclear envelope protein 1; minus strand). Cytogenetic location: 6q25.2.
Variant type: single nucleotide variant.
Coding change: c.19544T>C on transcript NM_182961.4 (MANE Select); coding-DNA position 19544, T replaced by C.
Protein change: p.Phe6515Ser; replaces phenylalanine 6515 with serine.
Molecular consequence: missense variant.
Genome position (GRCh38, 1-based): chr6:152,249,189, A>G on the plus strand (T>C on the coding strand, the complement: SYNE1 is on the minus strand). VCF-style: chr6-152249189-A-G. GRCh37 (hg19) VCF-style: chr6-152570324-A-G.
Other names: c.19331T>C, p.Phe6444Ser (NM_033071.5); c.19544T>C (NM_182961.2); short protein forms F6444S, F6515S.
Identifiers: ClinVar variation 571886 (VCV000571886.18), dbSNP rs747674900, ClinGen allele CA4054653.